The following is an entry in ClinVar:

NM_001430.5(EPAS1):c.830C>T (p.Ala277Val)

Gene: EPAS1 (endothelial PAS domain protein 1; plus strand). Cytogenetic location: 2p21.
Variant type: single nucleotide variant.
Coding change: c.830C>T on transcript NM_001430.5 (MANE Select); coding-DNA position 830, C replaced by T.
Protein change: p.Ala277Val; replaces alanine 277 with valine.
Molecular consequence: missense variant.
Genome position (GRCh38, 1-based): chr2:46,369,877, C>T. VCF-style: chr2-46369877-C-T. GRCh37 (hg19) VCF-style: chr2-46597016-C-T.
Other names: short protein forms A277V.
Identifiers: ClinVar variation 4981321 (VCV004981321.1).

ClinVar aggregate classification (germline): Uncertain significance (1 of 4 stars; one submission).

Conditions:
EPAS1-related disorder. Also called: EPAS1-related condition.

gnomAD v4.1: 23 of 1,613,262 alleles (0.0014%); highest among the groups gnomAD compares: South Asian, 0.011%; no homozygotes.

Submission:

PreventionGenetics, part of Exact Sciences
Classification: Uncertain significance for EPAS1-related condition. Last evaluated: 2025-01-30. Review status: criteria provided, single submitter. Criteria: ACMG Guidelines, 2015. Collection method: clinical testing. Allele origin: germline.
Comment: The EPAS1 c.830C>T variant is predicted to result in the amino acid substitution p.Ala277Val. To our knowledge, this variant has not been reported in the literature. This variant is reported in 0.0099% of alleles in individuals of South Asian descent in gnomAD. At this time, the clinical significance of this variant is uncertain due to the absence of conclusive functional and genetic evidence.